The following is an entry in ClinVar:

NM_005862.3(STAG1):c.2547G>C (p.Glu849Asp)

Gene: STAG1 (STAG1 cohesin complex component; minus strand). Cytogenetic location: 3q22.3.
Variant type: single nucleotide variant.
Coding change: c.2547G>C on transcript NM_005862.3 (MANE Select); coding-DNA position 2547, G replaced by C.
Protein change: p.Glu849Asp; replaces glutamic acid 849 with aspartic acid.
Molecular consequence: missense variant.
Genome position (GRCh38, 1-based): chr3:136,367,081, C>G on the plus strand (G>C on the coding strand, the complement: STAG1 is on the minus strand). VCF-style: chr3-136367081-C-G. GRCh37 (hg19) VCF-style: chr3-136085923-C-G.
Other names: short protein forms E849D.
Identifiers: ClinVar variation 1805574 (VCV001805574.1), dbSNP rs2530118696, ClinGen allele CA354647173.

ClinVar aggregate classification (germline): Uncertain significance (1 of 4 stars; one submission).

Conditions:
Intellectual developmental disorder, autosomal dominant 47. Also called: MENTAL RETARDATION, AUTOSOMAL DOMINANT 47; Intellectual disability, autosomal dominant 47. Identifiers: Orphanet 502434, MedGen C4539951, MONDO:0030912, OMIM 617635.

Submission:

Victorian Clinical Genetics Services, Murdoch Childrens Research Institute
Classification: Uncertain significance for Intellectual developmental disorder, autosomal dominant 47. Last evaluated: 2020-05-21. Review status: criteria provided, single submitter. Criteria: ACMG Guidelines, 2015. Collection method: clinical testing. Allele origin: germline. Inheritance: Autosomal dominant inheritance. Affected: yes.
Comment: A heterozygous missense variant was identified, NM_005862.2(STAG1):c.2547G>C in exon 25 of 34 of the STAG1 gene. This substitution is predicted to create a minor amino acid change from a glutamic acid to an aspartic acid at position 849 of the protein; NP_005853.2(STAG1):p.(Glu849Asp), and/or a splice site change leading to aberrant splicing. Further testing via RNA studies are required to confirm if splicing is altered. The glutamic acid at this position has high conservation (100 vertebrates, UCSC), but is not situated in a known functional domain (NCBI, PDB). In silico software predictions of the pathogenicity of this variant are conflicting (Polyphen, SIFT, CADD, Mutation Taster). In silico software predictions on splicing are conflicting (NetGene2, Fruit fly, Human Splicing Finder). The variant is not present in the gnomAD population database. This variant has not previously been reported in clinical cases. Based on information available at the time of curation, this variant has been classified as a VUS.